The following is an entry in ClinVar:

NM_000751.3(CHRND):c.817G>A (p.Asp273Asn)

Gene: CHRND (cholinergic receptor nicotinic delta subunit; plus strand). Cytogenetic location: 2q37.1.
Variant type: single nucleotide variant.
Coding change: c.817G>A on transcript NM_000751.3 (MANE Select); coding-DNA position 817, G replaced by A.
Protein change: p.Asp273Asn; replaces aspartic acid 273 with asparagine.
Molecular consequence: missense variant. On other transcripts: intron variant (1).
Genome position (GRCh38, 1-based): chr2:232,530,136, G>A. VCF-style: chr2-232530136-G-A. GRCh37 (hg19) VCF-style: chr2-233394846-G-A.
Other names: p.Asp273Asn; c.514G>A, p.Asp172Asn (NM_001311196.2); c.239-1216G>A (NM_001311195.2); c.772G>A, p.Asp258Asn (NM_001256657.2); short protein forms D273N, D258N, D172N.
Identifiers: ClinVar variation 256781 (VCV000256781.18), dbSNP rs202209156, ClinGen allele CA2168139.

ClinVar aggregate classification (germline): Conflicting classifications of pathogenicity. Review status: criteria provided, conflicting classifications (1 of 4 stars). 5 submissions from 5 submitters: Uncertain significance (2); Likely benign (2). 1 of the submissions does not count toward it. Last evaluated 2025-10-11.

Conditions:
CHRND-related disorder. Also called: CHRND-Related Disorders; CHRND-related condition.
Lethal multiple pterygium syndrome (LMPS). Identifiers: Orphanet 33108, MedGen C1854678, MONDO:0009668, OMIM 253290.

Allele frequency attached by ClinVar (database versions not stated): gnomAD 0.00051 and 0.00048; TOPMed 0.00067; ESP Exome Variant Server 0.00077; ExAC 0.00018; gnomAD exomes 0.00019 and 0.00027.
gnomAD v4.1: 361 of 1,614,020 alleles (0.022%); highest among the groups gnomAD compares: Middle Eastern, 0.12%; 2 homozygotes.

Submissions (5):

Labcorp Genetics (formerly Invitae), Labcorp
Classification: Likely benign for Lethal multiple pterygium syndrome. Last evaluated: 2025-10-11. Review status: criteria provided, single submitter. Criteria: Invitae Variant Classification Sherloc (09022015). Collection method: clinical testing. Allele origin: germline.

Mayo Clinic Laboratories, Mayo Clinic
Classification: Uncertain significance. Last evaluated: 2023-05-26. Review status: criteria provided, single submitter. Criteria: ACMG Guidelines, 2015. Collection method: clinical testing. Allele origin: germline. Observed: 1 variant allele.

GeneDx
Classification: Likely benign. Last evaluated: 2019-12-16. Review status: criteria provided, single submitter. Criteria: GeneDx Variant Classification Process June 2021. Collection method: clinical testing. Allele origin: germline. Affected: yes.
Comment: This variant is associated with the following publications: (PMID: 28518170)

Revvity Omics, Revvity
Classification: Uncertain significance. Last evaluated: 2019-06-24. Review status: criteria provided, single submitter. Criteria: ACMG Guidelines, 2015. Collection method: clinical testing. Allele origin: germline.

PreventionGenetics, part of Exact Sciences
Classification: Likely benign for CHRND-related condition. Last evaluated: 2019-06-17. Review status: no assertion criteria provided. Collection method: clinical testing. Allele origin: germline. Not counted in ClinVar's aggregate classification.
Comment: This variant is classified as likely benign based on ACMG/AMP sequence variant interpretation guidelines (Richards et al. 2015 PMID: 25741868, with internal and published modifications).

Literature cited by the submitters: PubMed 28518170 (cited by Mayo Clinic Laboratories, Mayo Clinic).